The following is an entry in ClinVar:

NM_001144967.3(NEDD4L):c.264A>T (p.Arg88Ser)

Gene: NEDD4L (NEDD4 like E3 ubiquitin protein ligase; plus strand). Cytogenetic location: 18q21.31.
Variant type: single nucleotide variant.
Coding change: c.264A>T on transcript NM_001144967.3 (MANE Select); coding-DNA position 264, A replaced by T.
Protein change: p.Arg88Ser; replaces arginine 88 with serine.
Molecular consequence: missense variant. On other transcripts: 5 prime UTR variant (5).
Genome position (GRCh38, 1-based): chr18:58,252,021, A>T. VCF-style: chr18-58252021-A-T. GRCh37 (hg19) VCF-style: chr18-55919253-A-T.
Other names: c.-100A>T (NM_001144964.1, NM_001144965.2, NM_001144966.3 and 2 more transcripts); c.240A>T, p.Arg80Ser (NM_001144968.2, NM_001144969.2); c.264A>T, p.Arg88Ser (NM_001243960.2, NM_015277.6); short protein forms R80S, R88S.
Identifiers: ClinVar variation 1804500 (VCV001804500.2), dbSNP rs2047999945, ClinGen allele CA402715907.

ClinVar aggregate classification (germline): Uncertain significance (1 of 4 stars; one submission).

Submission:

GeneDx
Classification: Uncertain significance. Last evaluated: 2023-10-27. Review status: criteria provided, single submitter. Criteria: GeneDx Variant Classification Process June 2021. Collection method: clinical testing. Allele origin: germline.
Comment: Not observed at significant frequency in large population cohorts (gnomAD); In silico analysis supports that this missense variant has a deleterious effect on protein structure/function; Has not been previously published as pathogenic or benign to our knowledge